The following is an entry in ClinVar:

NM_001447.3(FAT2):c.10388C>T (p.Ser3463Leu)

Genes: FAT2 (FAT atypical cadherin 2; minus strand), SLC36A1 (solute carrier family 36 member 1; plus strand). Cytogenetic location: 5q33.1.
Variant type: single nucleotide variant.
Coding change: c.10388C>T on transcript NM_001447.3 (MANE Select); coding-DNA position 10388, C replaced by T.
Protein change: p.Ser3463Leu; replaces serine 3463 with leucine.
Molecular consequence: missense variant.
Genome position (GRCh38, 1-based): chr5:151,525,886, G>A on the plus strand (C>T on the coding strand, the complement: FAT2 is on the minus strand). VCF-style: chr5-151525886-G-A. GRCh37 (hg19) VCF-style: chr5-150905447-G-A.
Other names: short protein forms S3463L.
Identifiers: ClinVar variation 2721080 (VCV002721080.3), dbSNP rs758888520, ClinGen allele CA3520269.

ClinVar aggregate classification (germline): Uncertain significance (1 of 4 stars; one submission).

Allele frequency attached by ClinVar (database versions not stated): gnomAD 0.00006; gnomAD exomes 0.00006; ExAC 0.00009.
gnomAD v4.1: 98 of 1,614,082 alleles (0.0061%); highest among the groups gnomAD compares: Middle Eastern, 0.016%; no homozygotes.

Submission:

Labcorp Genetics (formerly Invitae), Labcorp
Classification: Uncertain significance. Last evaluated: 2023-08-24. Review status: criteria provided, single submitter. Criteria: Invitae Variant Classification Sherloc (09022015). Collection method: clinical testing. Allele origin: germline.
Comment: In summary, the available evidence is currently insufficient to determine the role of this variant in disease. Therefore, it has been classified as a Variant of Uncertain Significance. An algorithm developed to predict the effect of missense changes on protein structure and function (PolyPhen-2) suggests that this variant is likely to be disruptive. This variant has not been reported in the literature in individuals affected with FAT2-related conditions. This variant is present in population databases (rs758888520, gnomAD 0.01%). This sequence change replaces serine, which is neutral and polar, with leucine, which is neutral and non-polar, at codon 3463 of the FAT2 protein (p.Ser3463Leu).